The following is an entry in ClinVar:

ClinVar aggregate classification (germline): Benign/Likely benign. Review status: criteria provided, single submitter (1 of 4 stars). 3 submissions from 1 submitter: Benign (2); Likely benign (1). Last evaluated 2018-01-12.

Conditions:
Meacham syndrome. Also called: Meacham Winn Culler syndrome. Identifiers: Orphanet 3097, MedGen C1837026, MONDO:0012164, OMIM 608978.
Wilms tumor 1 (WT1). Also called: Wilms tumor, somatic. Identifiers: Orphanet 654, MedGen CN033288, MONDO:0008679, OMIM 194070.
Nephrotic syndrome, type 4 (NPHS4). Also called: Familial mesangial sclerosis; Nephrotic syndrome, early onset with diffuse mesangial sclerosis. Identifiers: Orphanet 656, MedGen C3151568, MONDO:0009733, OMIM 256370.

Allele frequency attached by ClinVar (database versions not stated): gnomAD exomes 0.00075; gnomAD 0.00348 and 0.00370; TOPMed 0.00377; 1000 Genomes Project 0.00579; 1000 Genomes Project 30x 0.00656.
gnomAD v4.1: 588 of 233,778 alleles (0.25%); highest among the groups gnomAD compares: African/African-American, 1.2%; 4 homozygotes.

Submissions (3):

Illumina Laboratory Services, Illumina
Classification: Likely benign for Nephrotic syndrome, type 4. Last evaluated: 2018-01-12. Review status: criteria provided, single submitter. Criteria: ICSL Variant Classification Criteria 13 December 2019. Collection method: clinical testing. Allele origin: germline.
Comment: This variant was observed in the ICSL laboratory as part of a predisposition screen in an ostensibly healthy population. It had not been previously curated by ICSL or reported in the Human Gene Mutation Database (HGMD: prior to June 1st, 2018), and was therefore a candidate for classification through an automated scoring system. Utilizing variant allele frequency, disease prevalence and penetrance estimates, and inheritance mode, an automated score was calculated to assess if this variant is too frequent to cause the disease. Based on the score and internal cut-off values, a variant classified as likely benign is not then subjected to further curation. The score for this variant resulted in a classification of likely benign for this disease.

Illumina Laboratory Services, Illumina
Classification: Benign for Wilms tumor 1. Last evaluated: 2018-01-12. Review status: criteria provided, single submitter. Criteria: ICSL Variant Classification Criteria 13 December 2019. Collection method: clinical testing. Allele origin: germline.
Comment: This variant was observed in the ICSL laboratory as part of a predisposition screen in an ostensibly healthy population. It had not been previously curated by ICSL or reported in the Human Gene Mutation Database (HGMD: prior to June 1st, 2018), and was therefore a candidate for classification through an automated scoring system. Utilizing variant allele frequency, disease prevalence and penetrance estimates, and inheritance mode, an automated score was calculated to assess if this variant is too frequent to cause the disease. Based on the score and internal cut-off values, a variant classified as benign is not then subjected to further curation. The score for this variant resulted in a classification of benign for this disease.

Illumina Laboratory Services, Illumina
Classification: Benign for Meacham syndrome. Last evaluated: 2018-01-12. Review status: criteria provided, single submitter. Criteria: ICSL Variant Classification Criteria 13 December 2019. Collection method: clinical testing. Allele origin: germline.
Comment: the same text as in the submission from Illumina Laboratory Services, Illumina above.

NM_024426.6(WT1):c.*903G>A

Gene: WT1 (WT1 transcription factor; minus strand). Cytogenetic location: 11p13.
Variant type: single nucleotide variant.
Coding change: c.*903G>A on transcript NM_024426.6 (MANE Select); 903 bases downstream of the stop codon, G replaced by A.
Molecular consequence: 3 prime UTR variant. On other transcripts: non-coding transcript variant (1).
Genome position (GRCh38, 1-based): chr11:32,388,155, C>T on the plus strand (G>A on the coding strand, the complement: WT1 is on the minus strand). VCF-style: chr11-32388155-C-T. GRCh37 (hg19) VCF-style: chr11-32409701-C-T.
Other names: c.*903G>A (NM_000378.6, NM_001198551.2, NM_001198552.2 and 11 more transcripts).
Identifiers: ClinVar variation 304384 (VCV000304384.6), dbSNP rs5030325, ClinGen allele CA10638316.